The following is an entry in ClinVar:

NM_001004334.4(GPR179):c.6233A>G (p.Glu2078Gly)

Gene: GPR179 (G protein-coupled receptor 179; minus strand). Cytogenetic location: 17q12.
Variant type: single nucleotide variant.
Coding change: c.6233A>G on transcript NM_001004334.4 (MANE Select); coding-DNA position 6233, A replaced by G.
Protein change: p.Glu2078Gly; replaces glutamic acid 2078 with glycine.
Molecular consequence: missense variant.
Genome position (GRCh38, 1-based): chr17:38,327,336, T>C on the plus strand (A>G on the coding strand, the complement: GPR179 is on the minus strand). VCF-style: chr17-38327336-T-C. GRCh37 (hg19) VCF-style: chr17-36483219-T-C.
Other names: short protein forms E2078G.
Identifiers: ClinVar variation 2105403 (VCV002105403.4), dbSNP rs374373623, ClinGen allele CA290103057.

ClinVar aggregate classification (germline): Uncertain significance (1 of 4 stars; one submission).

Allele frequency attached by ClinVar (database versions not stated): gnomAD exomes below 0.00001; TOPMed below 0.00001; ExAC 0.00001; gnomAD 0.00001; ESP Exome Variant Server 0.00008.

Submission:

Labcorp Genetics (formerly Invitae), Labcorp
Classification: Uncertain significance. Last evaluated: 2022-04-28. Review status: criteria provided, single submitter. Criteria: Invitae Variant Classification Sherloc (09022015). Collection method: clinical testing. Allele origin: germline.
Comment: In summary, the available evidence is currently insufficient to determine the role of this variant in disease. Therefore, it has been classified as a Variant of Uncertain Significance. Algorithms developed to predict the effect of missense changes on protein structure and function output the following: SIFT: "Deleterious"; PolyPhen-2: "Benign"; Align-GVGD: "Class C0". The glycine amino acid residue is found in multiple mammalian species, which suggests that this missense change does not adversely affect protein function. This variant has not been reported in the literature in individuals affected with GPR179-related conditions. This variant is present in population databases (rs374373623, gnomAD 0.0009%). This sequence change replaces glutamic acid, which is acidic and polar, with glycine, which is neutral and non-polar, at codon 2078 of the GPR179 protein (p.Glu2078Gly).